The following is an entry in ClinVar:

ClinVar aggregate classification (germline): Pathogenic. Review status: reviewed by expert panel (3 of 4 stars). 10 submissions from 10 submitters: Pathogenic (1). 9 of the submissions do not count toward it. Last evaluated 2025-09-21.

Conditions:
Inherited breast cancer and ovarian cancer.
ATM-related cancer predisposition. Also called: ATM-related cancer susceptibility. Identifiers: MedGen CN377759, MONDO:0700270.
ATM-related disorder. Also called: ATM-related disorders; ATM-related condition.
Hereditary cancer-predisposing syndrome. Also called: Tumor predisposition; Hereditary neoplastic syndrome; Hereditary Cancer Syndrome; Neoplastic Syndromes, Hereditary. Identifiers: Orphanet 140162, MedGen C0027672, MeSH D009386, MONDO:0015356.
Familial cancer of breast. Also called: hereditary breast carcinoma; BREAST CANCER, FAMILIAL; Hereditary breast cancer. Identifiers: Orphanet 227535, MedGen C0346153, MONDO:0016419, OMIM 114480. Disease mechanism: loss of function.
Ataxia-telangiectasia syndrome (AT). Also called: LOUIS-BAR SYNDROME; Ataxia-telangiectasia, complementation group E; Ataxia telangiectasia (A-T); Cerebello-oculocutaneous telangiectasia; Immunodeficiency with ataxia telangiectasia; Ataxia-telangiectasia, complementation group D. Identifiers: Orphanet 100, MedGen C0004135, MONDO:0008840, OMIM 208900.

Submissions (10):

ClinGen Hereditary Breast, Ovarian and Pancreatic Cancer Variant Curation Expert Panel, ClinGen
Classification: Pathogenic for ATM-related cancer predisposition. Last evaluated: 2025-09-21. Review status: reviewed by expert panel. Criteria: ClinGen HBOP ACMG Specifications ATM V1.3.0. Collection method: curation. Allele origin: germline. Inheritance: Autosomal dominant inheritance.
Comment: The c.2639-22_2639-20del variant in ATM causes a 3-nucleotide deletion in a splice acceptor site. It is predicted to cause skipping of biologically-relevant-exon, resulting in a frameshift leading to nonsense mediated decay in a gene in which loss-of-function is an established disease mechanism. This prediction is confirmed by RNA studies (Ambry internal data, PMID: 37438524). This variant has been identified in at least three individuals with Ataxia-Telangiectasia (PMID: 26896183, 37438524). This variant is absent from gnomAD v.4.1.0. In summary, this variant meets the criteria to be classified as pathogenic for autosomal dominant ATM-related cancer predisposition and autosomal recessive Ataxia-Telangiectasia based on the ACMG/AMP criteria applied, as specified by the HBOP VCEP. (PVS1[RNA], PM3_Strong, PM2_Supporting)

PreventionGenetics, part of Exact Sciences
Classification: Likely pathogenic for ATM-related condition. Last evaluated: 2026-09-03. Review status: criteria provided, single submitter. Criteria: ACMG Guidelines, 2015. Collection method: clinical testing. Allele origin: germline. Not counted in ClinVar's aggregate classification.
Comment: The ATM c.2639-22_2639-20delAAT variant is predicted to result in an intronic deletion. This variant has also been referred to in the literature as IVS19-22_IVS19-20delAAT and IVS19-22delAAT and has been reported in patients with autosomal recessive ataxia telangiectasia (Buzin et al. 2003. PubMed ID: 12552559; Supplemental Table 1 in Nahas et al. 2009. PubMed ID: 19147735; Table S1 in Jackson et al. 2016. PubMed ID: 26896183; Kim et al. 2023. PubMed ID: 37438524). Functional studies show that this variant causes aberrant splicing (Kim et al. 2023. PubMed ID: 37438524). This variant has not been reported in a large population database (gnomAD), indicating this variant is rare. The majority of submitting laboratories in ClinVar interpret this variant as pathogenic or likely pathogenic (Variation ID: 422096). Based on this evidence, we interpret this variant as likely pathogenic.

Labcorp Genetics (formerly Invitae), Labcorp
Classification: Pathogenic for Ataxia-telangiectasia syndrome. Last evaluated: 2026-01-24. Review status: criteria provided, single submitter. Criteria: Invitae Variant Classification Sherloc (09022015). Collection method: clinical testing. Allele origin: germline. Not counted in ClinVar's aggregate classification.
Comment: This sequence change falls in intron 17 of the ATM gene. It does not directly change the encoded amino acid sequence of the ATM protein. RNA analysis indicates that this variant induces altered splicing and may result in an absent or altered protein product. This variant is not present in population databases (gnomAD no frequency). This variant has been observed in individual(s) with clinical features of ataxia-telangiectasia (PMID: 26896183). ClinVar contains an entry for this variant (Variation ID: 422096). Studies have shown that this variant results in skipping of exon 18, and produces a non-functional protein and/or introduces a premature termination codon (internal data). For these reasons, this variant has been classified as Pathogenic.

CeGaT Center for Human Genetics Tuebingen
Classification: Likely pathogenic. Last evaluated: 2025-11-01. Review status: criteria provided, single submitter. Criteria: CeGaT Center For Human Genetics Tuebingen Variant Classification Criteria Version 2. Collection method: clinical testing. Allele origin: germline. Affected: yes. Observed: 2 variant alleles. Not counted in ClinVar's aggregate classification.
Comment: ATM: PM3:Strong, PM2, PP4, PS3:Supporting

Victorian Clinical Genetics Services, Murdoch Childrens Research Institute
Classification: Pathogenic for Ataxia-telangiectasia syndrome. Last evaluated: 2025-09-08. Review status: criteria provided, single submitter. Criteria: ACMG Guidelines, 2015. Collection method: clinical testing. Allele origin: germline. Affected: yes. Not counted in ClinVar's aggregate classification.
Comment: This variant is classified as Pathogenic. Evidence in support of pathogenic classification: Non-coding variant with predicted effect. This variant has been suggested to result in aberrant splicing by multiple laboratories; however, the relevant data is not available or is inconclusive (PMID: 37438524, ClinVar, personal correspondence); Variant is present in gnomAD <0.01 (v4: 25 heterozygote(s), 0 homozygote(s)); This variant has strong previous evidence of pathogenicity in unrelated individuals. This variant has been reported twice as pathogenic, once as likely pathogenic and once as a VUS in ClinVar. In the literature, it has been reported in three individuals with ataxia-telangiectasia (PMIDs: 37438524, 26896183). Additional information: This variant is heterozygous; This gene is associated with both recessive and dominant disease. Biallelic variants in this gene result in ataxia-telangiectasia; however, heterozygous carriers of specific pathogenic variants have an increased risk of breast cancer (PMID: 27595995). Germline variants in this gene may also contribute to increased risk of other cancers including gastric, colorectal, and pancreatic cancers, however the risk is not well-established at this stage (PMIDs: 22585167, 27978560, 26506520); No published segregation evidence has been identified for this variant; No published functional evidence has been identified for this variant; in silico predictions for abnormal splicing are conflicting; Loss of function is a known mechanism of disease in this gene and is associated with ataxia-telangiectasia (MIM#208900) and susceptibility to breast cancer (MIM#114480). - Variants in this gene are known to have variable expressivity with regard to ataxia-telangiectasia. Variable age of onset and rate of disease progression have been reported for affected individuals within the same family (PMIDs: 20301790, 27884168). - Inheritance information for this variant is not currently available in this individual.

Cambridge Genomics Laboratory, East Genomic Laboratory Hub, NHS Genomic Medicine Service
Classification: Pathogenic for Inherited breast cancer and ovarian cancer. Last evaluated: 2025-02-17. Review status: criteria provided, single submitter. Criteria: ACGS Best Practice Guidelines for Variant Classification in Rare Disease 2020. Collection method: clinical testing. Allele origin: germline. Affected: yes. Not counted in ClinVar's aggregate classification.
Comment: PVS1,PM2_Supporting,PM3_Strong

Color Diagnostics, LLC DBA Color Health
Classification: Likely pathogenic for Hereditary cancer-predisposing syndrome. Last evaluated: 2024-11-26. Review status: criteria provided, single submitter. Criteria: ACMG Guidelines, 2015. Collection method: clinical testing. Allele origin: germline. Not counted in ClinVar's aggregate classification.
Comment: This variant causes a 3-nucleotide deletion in the intron 17 splice acceptor site at a predicted branchpoint of the ATM gene. Splice site prediction tools predict that this variant may have a significant impact on RNA splicing. This variant has been reported to impact RNA splicing by external laboratories (ClinVar SCV002739690.2, SCV004331490.1, SCV005404129.1). This variant has been observed in individuals affected with autosomal recessive ataxia-telangiectasia, including at least three individuals that carried a second pathogenic co-variant in ATM (PMID: 12552559, 19147735, 26896183, 37438524). This variant has not been identified in the general population by the Genome Aggregation Database (gnomAD). Based on the available evidence, this variant is classified as Likely Pathogenic.

Ambry Genetics
Classification: Pathogenic for Hereditary cancer-predisposing syndrome. Last evaluated: 2024-10-18. Review status: criteria provided, single submitter. Criteria: Ambry Variant Classification Scheme 2023. Collection method: clinical testing. Allele origin: germline. Not counted in ClinVar's aggregate classification.
Comment: The c.2639-22_2639-20delAAT intronic pathogenic mutation, located in intron 16 of the ATM gene, results from a deletion of 3 nucleotides within intron 16 of the ATM gene. RNA studies have demonstrated that this alteration results in abnormal splicing in the set of samples tested (Ambry internal data). These nucleotide positions are not well conserved in available vertebrate species. In silico splice site analysis predicts that this alteration may weaken the native splice acceptor site. This variant is considered to be rare based on population cohorts in the Genome Aggregation Database (gnomAD). Based on the supporting evidence, this variant is interpreted as a disease-causing mutation.

Myriad Genetics, Inc.
Classification: Likely pathogenic for Familial cancer of breast. Last evaluated: 2024-09-30. Review status: criteria provided, single submitter. Criteria: Myriad Autosomal Dominant, Autosomal Recessive and X-Linked Classification Criteria (2023). Collection method: clinical testing. Allele origin: unknown. Not counted in ClinVar's aggregate classification.
Comment: This variant is considered likely pathogenic. mRNA analysis has demonstrated abnormal mRNA splicing occurs [Myriad internal data]. This variant has been reported in multiple individuals with clinical features of gene-specific disease [PMID: 19147735, 26896183, 37438524].

GeneDx
Classification: Pathogenic. Last evaluated: 2024-03-19. Review status: criteria provided, single submitter. Criteria: GeneDx Variant Classification Process June 2021. Collection method: clinical testing. Allele origin: germline. Affected: yes. Not counted in ClinVar's aggregate classification.
Comment: Non-canonical splice site variant demonstrated to cause aberrant splicing predicted to result in a null allele in a gene for which loss of function is a known mechanism of disease (PMID: 37438524); Not observed at significant frequency in large population cohorts (gnomAD); Also known as IVS19-22_IVS19-20del; This variant is associated with the following publications: (PMID: 12552559, 37438524, 26896183)

Literature cited by the submitters: PubMed 26896183 (cited by 5 submitters); PubMed 26506520 (cited by Victorian Clinical Genetics Services, Murdoch Childrens Research Institute); PubMed 37438524 (cited by 3 submitters); PubMed 27884168 (cited by Victorian Clinical Genetics Services, Murdoch Childrens Research Institute); PubMed 27978560 (cited by Victorian Clinical Genetics Services, Murdoch Childrens Research Institute); PubMed 22585167 (cited by Victorian Clinical Genetics Services, Murdoch Childrens Research Institute); PubMed 27595995 (cited by Victorian Clinical Genetics Services, Murdoch Childrens Research Institute); PubMed 20301790 (cited by Victorian Clinical Genetics Services, Murdoch Childrens Research Institute); PubMed 12552559 (cited by Color Diagnostics, LLC DBA Color Health); PubMed 19147735 (cited by Color Diagnostics, LLC DBA Color Health and Myriad Genetics, Inc.).

NM_000051.4(ATM):c.2639-22_2639-20del

Gene: ATM (ATM serine/threonine kinase; plus strand). Cytogenetic location: 11q22.3.
Variant type: Deletion.
Coding change: c.2639-22_2639-20del on transcript NM_000051.4 (MANE Select); 22 bases into the intron before coding-DNA position 2639 through 20 bases into the intron before coding-DNA position 2639, 3 bases deleted (AAT; older notation c.2639-22_2639-20delAAT).
Molecular consequence: intron variant.
Genome position (GRCh38, 1-based): chr11:108,268,388-108,268,390, AAT deleted; deleting any 3 consecutive bases within chr11:108,268,387-108,268,390 gives the same sequence; the c. name uses the placement nearest the transcript's 3' end. VCF-style (leftmost placement, unchanged base first): chr11-108268386-TTAA-T. GRCh37 (hg19) VCF-style: chr11-108139113-TTAA-T.
Other names: c.2639-22_2639-20delAAT (NM_000051.3); c.2639-22_2639-20del (NM_001351834.2).
Identifiers: ClinVar variation 422096 (VCV000422096.31), dbSNP rs1064795554, ClinGen allele CA16619143.
Genomic context (GRCh38, chr11:108,268,386, plus strand): 5'-GAAGAGGAGGAAATTTGAGTTAATATGACTATATATGGCTGTTGTGCCCTTCTCTTAGTG[TTAA>T]TGAGTGCTTTTTATTTTTAGGTGCCATTAATCCTTTAGCTGAAGAATATCTGTCAAAGCA-3'